The following is an entry in ClinVar:

ClinVar aggregate classification (germline): Pathogenic (1 of 4 stars; one submission).

Submission:

Labcorp Genetics (formerly Invitae), Labcorp
Classification: Pathogenic. Last evaluated: 2023-12-19. Review status: criteria provided, single submitter. Criteria: Invitae Variant Classification Sherloc (09022015). Collection method: clinical testing. Allele origin: germline.
Comment: This sequence change creates a premature translational stop signal (p.Leu633Trpfs*44) in the COL10A1 gene. While this is not anticipated to result in nonsense mediated decay, it is expected to disrupt the last 48 amino acid(s) of the COL10A1 protein. This variant is not present in population databases (gnomAD no frequency). This premature translational stop signal has been observed in individual(s) with clinical features of autosomal dominant metaphyseal chondrodysplasia, Schmid type (Invitae). In at least one individual the variant was observed to be de novo. ClinVar contains an entry for this variant (Variation ID: 1395717). This variant is located in a region of the COL10A1 protein where a significant number of COL10A1 nonsense and frameshift mutations have been reported in association with autosomal dominant metaphyseal chondrodysplasia (PMID: 21447328, 33764685, 36400164). For these reasons, this variant has been classified as Pathogenic.

Literature cited by the submitters: PubMed 21447328; PubMed 33764685; PubMed 36400164.

NM_000493.4(COL10A1):c.1897del (p.Leu633fs)

Genes: COL10A1 (collagen type X alpha 1 chain; minus strand), NT5DC1 (5'-nucleotidase domain containing 1; plus strand). Cytogenetic location: 6q22.1.
Variant type: Deletion.
Coding change: c.1897del on transcript NM_000493.4 (MANE Select); coding-DNA position 1897, one base deleted (C; older notation c.1897delC).
Protein change: p.Leu633fs; shifts the reading frame from leucine 633.
Molecular consequence: frameshift variant. On other transcripts: intron variant (1).
Genome position (GRCh38, 1-based): chr6:116,120,219, G deleted on the plus strand (C on the coding strand, the reverse complement: COL10A1 is on the minus strand); the first of 2 consecutive G bases (chr6:116,120,219-116,120,220); deleting either gives the same sequence. VCF-style (leftmost placement, unchanged base first): chr6-116120218-AG-A. GRCh37 (hg19) VCF-style: chr6-116441381-AG-A.
Other names: c.1897del, p.Leu633fs (NM_001424106.1, NM_001424107.1); c.529+2275del (NM_152729.3); short protein forms L633fs.
Identifiers: ClinVar variation 1395717 (VCV001395717.6), dbSNP rs2114277437, ClinGen allele CA2573140415.